The following is an entry in ClinVar:

NM_001164277.2(SLC37A4):c.390G>C (p.Glu130Asp)

Gene: SLC37A4 (solute carrier family 37 member 4; minus strand). Cytogenetic location: 11q23.3.
Variant type: single nucleotide variant.
Coding change: c.390G>C on transcript NM_001164277.2 (MANE Select); coding-DNA position 390, G replaced by C.
Protein change: p.Glu130Asp; replaces glutamic acid 130 with aspartic acid.
Molecular consequence: missense variant.
Genome position (GRCh38, 1-based): chr11:119,027,864, C>G on the plus strand (G>C on the coding strand, the complement: SLC37A4 is on the minus strand). VCF-style: chr11-119027864-C-G. GRCh37 (hg19) VCF-style: chr11-118898574-C-G.
Other names: c.390G>C, p.Glu130Asp (NM_001164278.2, NM_001164280.2, NM_001467.6); c.171G>C, p.Glu57Asp (NM_001164279.2); short protein forms E130D, E57D.
Identifiers: ClinVar variation 877114 (VCV000877114.7), dbSNP rs752687782, ClinGen allele CA382904163.

ClinVar aggregate classification (germline): Uncertain significance. Review status: criteria provided, multiple submitters, no conflicts (2 of 4 stars). 2 submissions from 2 submitters: Uncertain significance (2). Last evaluated 2023-11-21.

Conditions:
Glycogen storage disease, type I. Identifiers: Orphanet 364, MedGen C0017920, MONDO:0002413.
Glucose-6-phosphate transport defect (GSD1B). Also called: GSD Ib; Glycogen Storage Disease Type Ib. Identifiers: Orphanet 364, Orphanet 79259, MedGen C0268146, MONDO:0009288, OMIM 232220.

Submissions (2):

Labcorp Genetics (formerly Invitae), Labcorp
Classification: Uncertain significance for Glucose-6-phosphate transport defect. Last evaluated: 2023-11-21. Review status: criteria provided, single submitter. Criteria: Invitae Variant Classification Sherloc (09022015). Collection method: clinical testing. Allele origin: germline.
Comment: This sequence change replaces glutamic acid, which is acidic and polar, with aspartic acid, which is acidic and polar, at codon 130 of the SLC37A4 protein (p.Glu130Asp). This variant is not present in population databases (gnomAD no frequency). This variant has not been reported in the literature in individuals affected with SLC37A4-related conditions. ClinVar contains an entry for this variant (Variation ID: 877114). Advanced modeling of protein sequence and biophysical properties (such as structural, functional, and spatial information, amino acid conservation, physicochemical variation, residue mobility, and thermodynamic stability) performed at Invitae indicates that this missense variant is not expected to disrupt SLC37A4 protein function with a negative predictive value of 80%. In summary, the available evidence is currently insufficient to determine the role of this variant in disease. Therefore, it has been classified as a Variant of Uncertain Significance.

Illumina Laboratory Services, Illumina
Classification: Uncertain significance for Glycogen storage disease, type I. Last evaluated: 2018-01-12. Review status: criteria provided, single submitter. Criteria: ICSL Variant Classification Criteria 13 December 2019. Collection method: clinical testing. Allele origin: germline.